The following is an entry in ClinVar:

ClinVar aggregate classification (germline): Benign/Likely benign. Review status: criteria provided, multiple submitters, no conflicts (2 of 4 stars). 5 submissions from 5 submitters: Benign (4); Likely benign (1). Last evaluated 2026-02-01.

Conditions:
Cenani-Lenz syndactyly syndrome. Also called: SYNDACTYLY, TYPE VII; CENANI SYNDACTYLISM. Identifiers: Orphanet 3258, MedGen C1859309, MONDO:0008931, OMIM 212780.
Congenital myasthenic syndrome 17. Identifiers: Orphanet 590, MedGen C4225377, MONDO:0014578, OMIM 616304.
Sclerosteosis 2 (SOST2). Identifiers: Orphanet 3152, MedGen C3280402, MONDO:0013679, OMIM 614305.

Allele frequency attached by ClinVar (database versions not stated): gnomAD exomes 0.00329 and 0.00113; TOPMed 0.00754; ExAC 0.00364; ESP Exome Variant Server 0.00569; gnomAD 0.00654 and 0.00677; 1000 Genomes Project 30x 0.00796; 1000 Genomes Project 0.00779.
gnomAD v4.1: 2,786 of 1,614,180 alleles (0.17%); highest among the groups gnomAD compares: East Asian, 2%; 21 homozygotes.

Submissions (5):

Labcorp Genetics (formerly Invitae), Labcorp
Classification: Benign for Cenani-Lenz syndactyly syndrome; Sclerosteosis 2; Congenital myasthenic syndrome 17. Last evaluated: 2026-02-01. Review status: criteria provided, single submitter. Criteria: Invitae Variant Classification Sherloc (09022015). Collection method: clinical testing. Allele origin: germline.

Mayo Clinic Laboratories, Mayo Clinic
Classification: Benign. Last evaluated: 2023-11-22. Review status: criteria provided, single submitter. Criteria: ACMG Guidelines, 2015. Collection method: clinical testing. Allele origin: germline. Observed: 4 variant alleles.
Comment: BA1, BS2

GeneDx
Classification: Benign. Last evaluated: 2019-08-28. Review status: criteria provided, single submitter. Criteria: GeneDx Variant Classification Process June 2021. Collection method: clinical testing. Allele origin: germline. Affected: yes.

Illumina Laboratory Services, Illumina
Classification: Likely benign for Cenani-Lenz syndactyly syndrome. Last evaluated: 2017-04-27. Review status: criteria provided, single submitter. Criteria: ICSL Variant Classification Criteria 13 December 2019. Collection method: clinical testing. Allele origin: germline.
Comment: This variant was observed as part of a predisposition screen in an ostensibly healthy population. A literature search was performed for the gene, cDNA change, and amino acid change (where applicable). No publications were found based on this search. Allele frequency data from public databases allowed determination this variant is unlikely to cause disease. Therefore, this variant is classified as likely benign.

Eurofins Ntd Llc (ga)
Classification: Benign. Last evaluated: 2015-01-27. Review status: criteria provided, single submitter. Criteria: EGL Classification Definitions 2015. Collection method: clinical testing. Allele origin: germline. Observed: 1 variant allele, 1 heterozygote.

NM_002334.4(LRP4):c.997G>A (p.Gly333Arg)

Gene: LRP4 (LDL receptor related protein 4; minus strand). Cytogenetic location: 11p11.2.
Variant type: single nucleotide variant.
Coding change: c.997G>A on transcript NM_002334.4 (MANE Select); coding-DNA position 997, G replaced by A.
Protein change: p.Gly333Arg; replaces glycine 333 with arginine.
Molecular consequence: missense variant.
Genome position (GRCh38, 1-based): chr11:46,896,261, C>T on the plus strand (G>A on the coding strand, the complement: LRP4 is on the minus strand). VCF-style: chr11-46896261-C-T. GRCh37 (hg19) VCF-style: chr11-46917812-C-T.
Other names: p.Gly333Arg; short protein forms G333R.
Identifiers: ClinVar variation 199076 (VCV000199076.24), dbSNP rs61744209, ClinGen allele CA203739.
Genomic context (GRCh38, chr11:46,896,261, plus strand): 5'-GACACTCACGGCAATTCTGCTGTGGGCTTTCGTCGCTGTTGTCACCACAGTCGTTGACCC[C>T]GTTGCACAGCTTCCTCTGCCCAATGCAGCGCCCATTCCAACACAGGAACTGGTCCAAGGC-3'
Protein context (NP_002325.2, residues 323-343): RCIGQRKLCN[Gly333Arg]VNDCGDNSDE